The following is an entry in ClinVar:

ClinVar aggregate classification (germline): Likely benign (0 of 4 stars; one submission).

Conditions:
HSD3B7-related disorder. Also called: HSD3B7-related condition.

Allele frequency attached by ClinVar (database versions not stated): ExAC 0.00005; gnomAD 0.00007; ESP Exome Variant Server 0.00008; TOPMed 0.00014.
gnomAD v4.1: 119 of 1,602,788 alleles (0.0074%); highest among the groups gnomAD compares: Non-Finnish European, 0.0089%; no homozygotes.

Submission:

PreventionGenetics, part of Exact Sciences
Classification: Likely benign for HSD3B7-related condition. Last evaluated: 2021-08-10. Review status: no assertion criteria provided. Collection method: clinical testing. Allele origin: germline.
Comment: This variant is classified as likely benign based on ACMG/AMP sequence variant interpretation guidelines (Richards et al. 2015 PMID: 25741868, with internal and published modifications).

NM_025193.4(HSD3B7):c.108C>T (p.Leu36=)

Gene: HSD3B7 (hydroxy-delta-5-steroid dehydrogenase, 3 beta- and steroid delta-isomerase 7; plus strand). Cytogenetic location: 16p11.2.
Variant type: single nucleotide variant.
Coding change: c.108C>T on transcript NM_025193.4 (MANE Select); coding-DNA position 108, C replaced by T.
Protein change: p.Leu36=; no amino-acid change (leucine 36 retained).
Molecular consequence: synonymous variant.
Genome position (GRCh38, 1-based): chr16:30,985,766, C>T. VCF-style: chr16-30985766-C-T. GRCh37 (hg19) VCF-style: chr16-30997087-C-T.
Other names: c.108C>T, p.Leu36= (NM_001142777.2, NM_001142778.2).
Identifiers: ClinVar variation 3031765 (VCV003031765.2), dbSNP rs377494419, ClinGen allele CA8017856.